The following is an entry in ClinVar:

ClinVar aggregate classification (germline): Uncertain significance (1 of 4 stars; one submission).

gnomAD v4.1: 1 of 1,613,946 alleles (0.000062%); highest among the groups gnomAD compares: South Asian, 0.0011%; no homozygotes.

Submission:

GeneDx
Classification: Uncertain significance. Last evaluated: 2025-04-07. Review status: criteria provided, single submitter. Criteria: GeneDx Variant Classification Process June 2021. Collection method: clinical testing. Allele origin: germline. Affected: yes.
Comment: Not observed at significant frequency in large population cohorts (gnomAD); In silico analysis supports that this missense variant has a deleterious effect on protein structure/function; Has not been previously published as pathogenic or benign to our knowledge; Located in one of the three hot-spot regions of the RYR2 gene, where the majority of pathogenic missense variants occur (PMID: 19926015); This variant is associated with the following publications: (PMID: 19926015)

NM_001035.3(RYR2):c.7309A>G (p.Ser2437Gly)

Gene: RYR2 (ryanodine receptor 2; plus strand). Cytogenetic location: 1q43.
Variant type: single nucleotide variant.
Coding change: c.7309A>G on transcript NM_001035.3 (MANE Select); coding-DNA position 7309, A replaced by G.
Protein change: p.Ser2437Gly; replaces serine 2437 with glycine.
Molecular consequence: missense variant.
Genome position (GRCh38, 1-based): chr1:237,643,414, A>G. VCF-style: chr1-237643414-A-G. GRCh37 (hg19) VCF-style: chr1-237806714-A-G.
Other names: short protein forms S2437G.
Identifiers: ClinVar variation 4282488 (VCV004282488.1).
Genomic context (GRCh38, chr1:237,643,414, plus strand): 5'-ATCAGAATTAGGTCCATTTTGAGATCCCTCATTCCCCTGGGAGATTTGGTGGGCGTTATC[A>G]GCATCGCTTTTCAGATGCCAACAATAGCCAAAGGTAAGGCCAACTTCAATTTGTCCTAAT-3'
Protein context (NP_001026.2, residues 2427-2447): IPLGDLVGVI[Ser2437Gly]IAFQMPTIAK